The following is an entry in ClinVar:

NM_001365951.3(KIF1B):c.4607G>T (p.Ser1536Ile)

Gene: KIF1B (kinesin family member 1B; plus strand). Cytogenetic location: 1p36.22.
Variant type: single nucleotide variant.
Coding change: c.4607G>T on transcript NM_001365951.3 (MANE Select); coding-DNA position 4607, G replaced by T.
Protein change: p.Ser1536Ile; replaces serine 1536 with isoleucine.
Molecular consequence: missense variant.
Genome position (GRCh38, 1-based): chr1:10,365,503, G>T. VCF-style: chr1-10365503-G-T. GRCh37 (hg19) VCF-style: chr1-10425561-G-T.
Other names: c.4607G>T, p.Ser1536Ile (NM_001365952.1); c.4469G>T, p.Ser1490Ile (NM_015074.3); short protein forms S1490I, S1536I.
Identifiers: ClinVar variation 3864126 (VCV003864126.1).

ClinVar aggregate classification (germline): Uncertain significance (1 of 4 stars; one submission).

Submission:

Ambry Genetics
Classification: Uncertain significance. Last evaluated: 2025-03-11. Review status: criteria provided, single submitter. Criteria: Ambry Variant Classification Scheme 2023. Collection method: clinical testing. Allele origin: germline.
Comment: The p.S1490I variant (also known as c.4469G>T), located in coding exon 40 of the KIF1B gene, results from a G to T substitution at nucleotide position 4469. The serine at codon 1490 is replaced by isoleucine, an amino acid with dissimilar properties. This amino acid position is conserved. In addition, the in silico prediction for this alteration is inconclusive. Based on the available evidence, the clinical significance of this variant remains unclear.